The following is an entry in ClinVar:

ClinVar aggregate classification (germline): Uncertain significance (1 of 4 stars; one submission).

Submission:

GeneDx
Classification: Uncertain significance. Last evaluated: 2022-04-04. Review status: criteria provided, single submitter. Criteria: GeneDx Variant Classification Process June 2021. Collection method: clinical testing. Allele origin: germline. Affected: yes.
Comment: Not observed at significant frequency in large population cohorts (gnomAD); In silico analysis supports that this missense variant has a deleterious effect on protein structure/function; Has not been previously published as pathogenic or benign to our knowledge

NM_006236.3(POU3F3):c.1392G>A (p.Met464Ile)

Gene: POU3F3 (POU class 3 homeobox 3; plus strand). Cytogenetic location: 2q12.1.
Variant type: single nucleotide variant.
Coding change: c.1392G>A on transcript NM_006236.3 (MANE Select); coding-DNA position 1392, G replaced by A.
Protein change: p.Met464Ile; replaces methionine 464 with isoleucine.
Molecular consequence: missense variant.
Genome position (GRCh38, 1-based): chr2:104,856,902, G>A. VCF-style: chr2-104856902-G-A. GRCh37 (hg19) VCF-style: chr2-105473360-G-A.
Other names: short protein forms M464I.
Identifiers: ClinVar variation 1708568 (VCV001708568.2), dbSNP rs2466877109, ClinGen allele CA348098870.
Genomic context (GRCh38, chr2:104,856,902, plus strand): 5'-GCTCGAGAAGGAGGTGGTGCGGGTCTGGTTCTGCAATCGGCGCCAAAAGGAGAAGCGCAT[G>A]ACGCCGCCCGGGATCCAACAGCAGACGCCCGACGACGTCTACTCGCAGGTGGGCACCGTG-3'
Protein context (NP_006227.1, residues 454-474): FCNRRQKEKR[Met464Ile]TPPGIQQQTP